The following is an entry in ClinVar:

NM_004369.4(COL6A3):c.4432G>C (p.Val1478Leu)

Gene: COL6A3 (collagen type VI alpha 3 chain; minus strand). Cytogenetic location: 2q37.3.
Variant type: single nucleotide variant.
Coding change: c.4432G>C on transcript NM_004369.4 (MANE Select); coding-DNA position 4432, G replaced by C.
Protein change: p.Val1478Leu; replaces valine 1478 with leucine.
Molecular consequence: missense variant.
Genome position (GRCh38, 1-based): chr2:237,369,031, C>G on the plus strand (G>C on the coding strand, the complement: COL6A3 is on the minus strand). VCF-style: chr2-237369031-C-G. GRCh37 (hg19) VCF-style: chr2-238277674-C-G.
Other names: c.2611G>C, p.Val871Leu (NM_057166.5); c.3814G>C, p.Val1272Leu (NM_057167.4); short protein forms V1272L, V871L, V1478L.
Identifiers: ClinVar variation 4743752 (VCV004743752.1).
Genomic context (GRCh38, chr2:237,369,031, plus strand): 5'-GGGCCTGGGATCTGTAGGTTTTCAGATAGAATTCTGGGAAGACATCATTGCTGAACTGCA[C>G]GACCCCAACTCTCACTTTACTGGGGCCGATGTTGAGTCTTCGAACAATCCTGCTAACAAA-3'
Protein context (NP_004360.2, residues 1468-1488): IGPSKVRVGV[Val1478Leu]QFSNDVFPEF

ClinVar aggregate classification (germline): Uncertain significance (1 of 4 stars; one submission).

Conditions:
Bethlem myopathy 1A. Also called: MYOPATHY, BENIGN CONGENITAL, WITH CONTRACTURES; Bethlem myopathy 1; Bethlem Muscular Dystrophy. Identifiers: Orphanet 610, MedGen CN029274, MONDO:0024530, OMIM 158810.

Submission:

Labcorp Genetics (formerly Invitae), Labcorp
Classification: Uncertain significance for Bethlem myopathy 1A. Last evaluated: 2025-08-26. Review status: criteria provided, single submitter. Criteria: Invitae Variant Classification Sherloc (09022015). Collection method: clinical testing. Allele origin: germline.
Comment: This sequence change replaces valine, which is neutral and non-polar, with leucine, which is neutral and non-polar, at codon 1478 of the COL6A3 protein (p.Val1478Leu). This variant is not present in population databases (gnomAD no frequency). This variant has not been reported in the literature in individuals affected with COL6A3-related conditions. Invitae Evidence Modeling of protein sequence and biophysical properties (such as structural, functional, and spatial information, amino acid conservation, physicochemical variation, residue mobility, and thermodynamic stability) indicates that this missense variant is not expected to disrupt COL6A3 protein function with a negative predictive value of 80%. In summary, the available evidence is currently insufficient to determine the role of this variant in disease. Therefore, it has been classified as a Variant of Uncertain Significance.